The following is an entry in ClinVar:

NM_007194.4(CHEK2):c.1374A>G (p.Lys458=)

Gene: CHEK2 (checkpoint kinase 2; minus strand). Cytogenetic location: 22q12.1.
Variant type: single nucleotide variant.
Coding change: c.1374A>G on transcript NM_007194.4 (MANE Select); coding-DNA position 1374, A replaced by G.
Protein change: p.Lys458=; no amino-acid change (lysine 458 retained).
Molecular consequence: synonymous variant.
Genome position (GRCh38, 1-based): chr22:28,695,128, T>C on the plus strand (A>G on the coding strand, the complement: CHEK2 is on the minus strand). VCF-style: chr22-28695128-T-C. GRCh37 (hg19) VCF-style: chr22-29091116-T-C.
Other names: c.1503A>G, p.Lys501= (NM_001005735.3); c.711A>G, p.Lys237= (NM_001257387.3); c.1173A>G, p.Lys391= (NM_001349956.3); c.1287A>G, p.Lys429= (NM_145862.3).
Identifiers: ClinVar variation 418576 (VCV000418576.21), dbSNP rs776093527, ClinGen allele CA10167673.

ClinVar aggregate classification (germline): Conflicting classifications of pathogenicity. Review status: criteria provided, conflicting classifications (1 of 4 stars). 5 submissions from 5 submitters: Uncertain significance (3); Likely benign (2). Last evaluated 2025-10-13.

Conditions:
Hereditary cancer-predisposing syndrome. Also called: Hereditary neoplastic syndrome; Tumor predisposition; Neoplastic Syndromes, Hereditary; Hereditary Cancer Syndrome. Identifiers: Orphanet 140162, MedGen C0027672, MeSH D009386, MONDO:0015356.
Familial cancer of breast. Also called: Hereditary breast cancer; BREAST CANCER, FAMILIAL; hereditary breast carcinoma. Identifiers: Orphanet 227535, MedGen C0346153, MONDO:0016419, OMIM 114480. Disease mechanism: loss of function.

Allele frequency attached by ClinVar (database versions not stated): gnomAD exomes below 0.00001 and 0.00004; TOPMed below 0.00001; ExAC 0.00001; gnomAD 0.00001.
gnomAD v4.1: 54 of 1,594,780 alleles (0.0034%); highest among the groups gnomAD compares: Non-Finnish European, 0.0045%; no homozygotes.

Submissions (5):

Labcorp Genetics (formerly Invitae), Labcorp
Classification: Likely benign for Familial cancer of breast. Last evaluated: 2025-10-13. Review status: criteria provided, single submitter. Criteria: Invitae Variant Classification Sherloc (09022015). Collection method: clinical testing. Allele origin: germline.

Quest Diagnostics Nichols Institute San Juan Capistrano
Classification: Uncertain significance. Last evaluated: 2024-03-06. Review status: criteria provided, single submitter. Criteria: Quest Diagnostics criteria. Collection method: clinical testing. Allele origin: unknown.
Comment: The CHEK2 c.1374A>G (p.Lys458=) synonymous variant has not been reported in individuals with CHEK2-related conditions in the published literature. The frequency of this variant in the general population, 0.000004 (1/250968 chromosomes (Genome Aggregation Database)), is uninformative in the assessment of its pathogenicity. Analysis of this variant using software algorithms for the prediction of the effect of nucleotide changes on splicing yielded predictions that this variant may affect proper CHEK2 mRNA splicing. Based on the available information, we are unable to determine the clinical significance of this variant.

Color Diagnostics, LLC DBA Color Health
Classification: Uncertain significance for Hereditary cancer-predisposing syndrome. Last evaluated: 2022-01-24. Review status: criteria provided, single submitter. Criteria: ACMG Guidelines, 2015. Collection method: clinical testing. Allele origin: germline.
Comment: This synonymous variant causes an A to G nucleotide substitution 2 nucleotides upstream of the exon 12 splice donor site in the CHEK2 gene. Splice site prediction tools suggest that this variant may impact RNA splicing. To our knowledge, RNA studies have not been reported for this variant. This variant has not been reported in individuals affected with hereditary cancer in the literature. This variant has been identified in 1/250968 chromosomes in the general population by the Genome Aggregation Database (gnomAD). The available evidence is insufficient to determine the role of this variant in disease conclusively. Therefore, this variant is classified as a Variant of Uncertain Significance.

Ambry Genetics
Classification: Likely benign for Hereditary cancer-predisposing syndrome. Last evaluated: 2021-07-19. Review status: criteria provided, single submitter. Criteria: Ambry Variant Classification Scheme 2023. Collection method: clinical testing. Allele origin: germline.

GeneDx
Classification: Uncertain significance. Last evaluated: 2016-09-29. Review status: criteria provided, single submitter. Criteria: GeneDx Variant Classification (06012015). Collection method: clinical testing. Allele origin: germline. Affected: yes.
Comment: This variant is denoted CHEK2 c.1374A>G at the DNA level. This variant is silent at the coding level, preserving a Lysine at codon 458. This variant has not, to our knowledge, been published in the literature as being pathogenic or benign. In silico splicing models are inconclusive; therefore, in the absence of RNA or functional studies, the actual effect of this variant is unknown. CHEK2 c.1374A>G was not observed in approximately 6,500 individuals of European and African American ancestry in the NHLBI Exome Sequencing Project, indicating it is not a common benign variant in these populations.The nucleotide which is altered, a adenine (A) at base 1374, is not conserved. Based on currently available information, it is unclear whether CHEK2 c.1374A>G is a pathogenic or benign variant. We consider it to be a variant of uncertain significance.